The following is an entry in ClinVar:

NM_000180.4(GUCY2D):c.725T>G (p.Val242Gly)

Gene: GUCY2D (guanylate cyclase 2D, retinal; plus strand). Cytogenetic location: 17p13.1.
Variant type: single nucleotide variant.
Coding change: c.725T>G on transcript NM_000180.4 (MANE Select); coding-DNA position 725, T replaced by G.
Protein change: p.Val242Gly; replaces valine 242 with glycine.
Molecular consequence: missense variant.
Genome position (GRCh38, 1-based): chr17:8,003,855, T>G. VCF-style: chr17-8003855-T-G. GRCh37 (hg19) VCF-style: chr17-7907173-T-G.
Other names: NM_000180.4(GUCY2D):c.725T>G; p.Val242Gly; short protein forms V242G.
Identifiers: ClinVar variation 974634 (VCV000974634.4), dbSNP rs1975686657, ClinGen allele CA397945013.

ClinVar aggregate classification (germline): Likely pathogenic. Review status: reviewed by expert panel (3 of 4 stars). 3 submissions from 3 submitters: Likely pathogenic (1). 2 of the submissions do not count toward it. Last evaluated 2026-09-09.

Conditions:
GUCY2D-related recessive retinopathy. Also called: Recessive GUCY2D retinopathy. Identifiers: MedGen CN305603, MONDO:0100453.
Cone-rod dystrophy 6 (CORD6). Also called: Cone dystrophy progressive; RETINAL CONE DYSTROPHY 2. Identifiers: Orphanet 1872, MedGen C1866293, MONDO:0011143, OMIM 601777.
Leber congenital amaurosis 1 (LCA1). Also called: Congenital absence of the rods and cones; Leber's congenital tapetoretinal degeneration; Leber's congenital tapetoretinal dysplasia; AMAUROSIS CONGENITA OF LEBER I; RETINAL BLINDNESS, CONGENITAL. Identifiers: Orphanet 65, MedGen C2931258, MONDO:0008764, OMIM 204000.

Allele frequency attached by ClinVar (database versions not stated): gnomAD exomes below 0.00001; TOPMed below 0.00001.

Submissions (3):

ClinGen Leber Congenital Amaurosis/early Onset Retinal Dystrophy Variant Curation Expert Panel, ClinGen
Classification: Likely pathogenic for GUCY2D-related recessive retinopathy. Last evaluated: 2026-09-09. Review status: reviewed by expert panel. Criteria: ClinGen LCAeoRD ACMG Specifications GUCY2D V1.0.0. Collection method: curation. Allele origin: germline. Inheritance: Autosomal recessive inheritance.
Comment: The NM_000180.4(GUCY2D):c.725T>G (p.Val242Gly) variant is a missense change that replaces valine with glycine at position p.242. It is present in gnomAD v.4.1.1 at a total allele frequency of 6.205e-7, with 1 allele /1611594 total alleles, which is lower than the ClinGen LCA/eoRD VCEP PM2_Supporting threshold of <0.0004 (PM2_Supporting). The computational predictor REVEL gives a score of 0.873, which is above the ClinGen LCA/eoRD VCEP threshold of ≥0.774 and predicts a damaging effect on RETGC-1 protein function (PP3_Moderate). This variant has been reported in at least 2 unrelated probands with early-onset severe retinal dystrophy who were homozygous for the variant (1 point, PMID: 39939321 and VCEP member personal communication). This variant has also been reported in at least 1 proband with early-onset severe retinal dystrophy who was compound heterozygous with the c.2660T>G p.Val887Gly variant confirmed in trans (0.25 points, VCEP member personal communication), which was previously classified as a variant of unknown significance by the ClinGen LCA/eoRD VCEP (1.25 total points, PM3). The variant has been reported to segregate with childhood-onset severe retinal dystrophy through the proband plus 1 similarly affected relative, with the variant present in the homozygous state (PP1; VCEP member personal communication). At least one proband harboring this variant exhibits a phenotype including a clinical diagnosis of LCA (0.5), absent rod electroretinogram (ERG) responses (0.5), evidence of cone involvement on ERG (1), nystagmus (1), and photophobia (1), optic nerve pallor (0.5), decreased central visual acuity (1) and decreased peripheral vision acuity (1), which together are specific for GUCY2D-related recessive retinopathy (6.5 total points, PMID: 39939324, personal communication from clinician, PP4). In summary, this variant meets the criteria to be classified as Likely Pathogenic for GUCY2D-related recessive retinopathy based on the ACMG/AMP criteria applied, as specified by the ClinGen LCA/eoRD VCEP: PM2_Supporting, PP3_Moderate, PM3, PP1, PP4.) (VCEP specifications version 1.0.0).

Labcorp Genetics (formerly Invitae), Labcorp
Classification: Uncertain significance for Leber congenital amaurosis 1; Cone-rod dystrophy 6. Last evaluated: 2022-08-06. Review status: criteria provided, single submitter. Criteria: Invitae Variant Classification Sherloc (09022015). Collection method: clinical testing. Allele origin: germline. Not counted in ClinVar's aggregate classification.
Comment: This sequence change replaces valine, which is neutral and non-polar, with glycine, which is neutral and non-polar, at codon 242 of the GUCY2D protein (p.Val242Gly). This variant is not present in population databases (gnomAD no frequency). This variant has not been reported in the literature in individuals affected with GUCY2D-related conditions. ClinVar contains an entry for this variant (Variation ID: 974634). Algorithms developed to predict the effect of missense changes on protein structure and function (SIFT, PolyPhen-2, Align-GVGD) all suggest that this variant is likely to be disruptive. In summary, the available evidence is currently insufficient to determine the role of this variant in disease. Therefore, it has been classified as a Variant of Uncertain Significance.

Laboratory of Genetics in Ophthalmology, Institut Imagine
Classification: Likely pathogenic for Leber congenital amaurosis 1. Review status: no assertion criteria provided. Collection method: research. Allele origin: inherited. Affected: yes. Observed: 4 variant alleles. Not counted in ClinVar's aggregate classification.